The following is an entry in ClinVar:

NM_001614.5(ACTG1):c.267C>T (p.Thr89=)

Gene: ACTG1 (actin gamma 1; minus strand). Cytogenetic location: 17q25.3.
Variant type: single nucleotide variant.
Coding change: c.267C>T on transcript NM_001614.5 (MANE Select); coding-DNA position 267, C replaced by T.
Protein change: p.Thr89=; no amino-acid change (threonine 89 retained).
Molecular consequence: synonymous variant. On other transcripts: non-coding transcript variant (1).
Genome position (GRCh38, 1-based): chr17:81,511,999, G>A on the plus strand (C>T on the coding strand, the complement: ACTG1 is on the minus strand). VCF-style: chr17-81511999-G-A. GRCh37 (hg19) VCF-style: chr17-79479025-G-A.
Other names: c.267C>T, p.Thr89= (NM_001199954.3).
Identifiers: ClinVar variation 227166 (VCV000227166.7), dbSNP rs140398667, ClinGen allele CA8836296.

ClinVar aggregate classification (germline): Likely benign. Review status: criteria provided, multiple submitters, no conflicts (2 of 4 stars). 3 submissions from 3 submitters: Likely benign (3). Last evaluated 2025-09-25.

Conditions:
Autosomal dominant nonsyndromic hearing loss 20. Identifiers: Orphanet 90635, MedGen C1858172, MONDO:0011480, OMIM 604717.
Baraitser-winter syndrome 2. Identifiers: Orphanet 2995, MedGen C3281235, MONDO:0013812, OMIM 614583.

Allele frequency attached by ClinVar (database versions not stated): gnomAD 0.00006; TOPMed 0.00007; ESP Exome Variant Server 0.00008.

Submissions (3):

Labcorp Genetics (formerly Invitae), Labcorp
Classification: Likely benign for Baraitser-winter syndrome 2; Autosomal dominant nonsyndromic hearing loss 20. Last evaluated: 2025-09-25. Review status: criteria provided, single submitter. Criteria: Invitae Variant Classification Sherloc (09022015). Collection method: clinical testing. Allele origin: germline.

GeneDx
Classification: Likely benign. Last evaluated: 2018-08-14. Review status: criteria provided, single submitter. Criteria: GeneDx Variant Classification Process June 2021. Collection method: clinical testing. Allele origin: germline. Affected: yes.

Laboratory for Molecular Medicine, Mass General Brigham Personalized Medicine
Classification: Likely benign. Last evaluated: 2016-01-28. Review status: criteria provided, single submitter. Criteria: LMM Criteria. Collection method: clinical testing. Allele origin: germline. Observed: 1 variant allele.
Comment: p.Thr89Thr in Exon 03 of ACTG1: This variant is not expected to have clinical si gnificance because it does not alter an amino acid residue, is not located withi n the splice consensus sequence, and has been identified in 3/6614 Finnish chrom osomes and 1/66206 European chromosomes by the Exome Aggregation Consortium (ExA C; dbSNP rs140398667).